The following is an entry in ClinVar:

NM_000492.4(CFTR):c.109A>C (p.Ile37Leu)

Gene: CFTR (CF transmembrane conductance regulator; plus strand). Cytogenetic location: 7q31.2.
Variant type: single nucleotide variant.
Coding change: c.109A>C on transcript NM_000492.4 (MANE Select); coding-DNA position 109, A replaced by C.
Protein change: p.Ile37Leu; replaces isoleucine 37 with leucine.
Molecular consequence: missense variant.
Genome position (GRCh38, 1-based): chr7:117,504,308, A>C. VCF-style: chr7-117504308-A-C. GRCh37 (hg19) VCF-style: chr7-117144362-A-C.
Other names: short protein forms I37L.
Identifiers: ClinVar variation 2453639 (VCV002453639.2), dbSNP rs759721412, ClinGen allele CA368987185.

ClinVar aggregate classification (germline): Uncertain significance (1 of 4 stars; one submission).

Conditions:
Cystic fibrosis (CF). Also called: MUCOVISCIDOSIS. Identifiers: Orphanet 586, MedGen C0010674, MONDO:0009061, OMIM 219700. Disease mechanism: loss of function.

Submission:

Ambry Genetics
Classification: Uncertain significance for Cystic fibrosis. Last evaluated: 2023-01-14. Review status: criteria provided, single submitter. Criteria: Ambry Variant Classification Scheme 2023. Collection method: clinical testing. Allele origin: germline.
Comment: The p.I37L variant (also known as c.109A>C), located in coding exon 2 of the CFTR gene, results from an A to C substitution at nucleotide position 109. The isoleucine at codon 37 is replaced by leucine, an amino acid with highly similar properties. This amino acid position is conserved. In addition, the in silico prediction for this alteration is inconclusive. Since supporting evidence is limited at this time, the clinical significance of this alteration remains unclear.